The following is an entry in ClinVar:

NM_000059.4(BRCA2):c.4109G>T (p.Gly1370Val)

Gene: BRCA2 (BRCA2 DNA repair associated; plus strand). Cytogenetic location: 13q13.1.
Variant type: single nucleotide variant.
Coding change: c.4109G>T on transcript NM_000059.4 (MANE Select); coding-DNA position 4109, G replaced by T.
Protein change: p.Gly1370Val; replaces glycine 1370 with valine.
Molecular consequence: missense variant.
Genome position (GRCh38, 1-based): chr13:32,338,464, G>T. VCF-style: chr13-32338464-G-T. GRCh37 (hg19) VCF-style: chr13-32912601-G-T.
Other names: short protein forms G1370V.
Identifiers: ClinVar variation 491267 (VCV000491267.8), dbSNP rs587781406, ClinGen allele CA387779287.

ClinVar aggregate classification (germline): Conflicting classifications of pathogenicity. Review status: criteria provided, conflicting classifications (1 of 4 stars). 4 submissions from 4 submitters: Uncertain significance (2); Likely benign (2). Last evaluated 2025-05-17.

Conditions:
Hereditary breast ovarian cancer syndrome. Also called: Hereditary breast and/or ovarian cancer syndrome; BRCA1- and BRCA2-Associated Hereditary Breast and Ovarian Cancer; Breast and ovarian cancer; Hereditary breast and ovarian cancer; Hereditary breast and ovarian cancer syndrome; Hereditary breast and ovarian cancer syndrome (HBOC). Identifiers: Orphanet 145, MedGen C0677776, MeSH D061325, MONDO:0003582. Disease mechanism: loss of function.
Hereditary cancer-predisposing syndrome. Also called: Hereditary neoplastic syndrome; Tumor predisposition; Hereditary Cancer Syndrome; Neoplastic Syndromes, Hereditary. Identifiers: Orphanet 140162, MedGen C0027672, MeSH D009386, MONDO:0015356.

Allele frequency attached by ClinVar (database versions not stated): gnomAD exomes below 0.00001.
gnomAD v4.1: 1 of 1,611,196 alleles (0.000062%); highest among the groups gnomAD compares: South Asian, 0.0011%; no homozygotes.

Submissions (4):

Labcorp Genetics (formerly Invitae), Labcorp
Classification: Uncertain significance for Hereditary breast ovarian cancer syndrome. Last evaluated: 2025-05-17. Review status: criteria provided, single submitter. Criteria: Invitae Variant Classification Sherloc (09022015). Collection method: clinical testing. Allele origin: germline.
Comment: This sequence change replaces glycine, which is neutral and non-polar, with valine, which is neutral and non-polar, at codon 1370 of the BRCA2 protein (p.Gly1370Val). This variant is not present in population databases (gnomAD no frequency). This variant has not been reported in the literature in individuals affected with BRCA2-related conditions. ClinVar contains an entry for this variant (Variation ID: 491267). Invitae Evidence Modeling of protein sequence and biophysical properties (such as structural, functional, and spatial information, amino acid conservation, physicochemical variation, residue mobility, and thermodynamic stability) indicates that this missense variant is not expected to disrupt BRCA2 protein function with a negative predictive value of 95%. In summary, the available evidence is currently insufficient to determine the role of this variant in disease. Therefore, it has been classified as a Variant of Uncertain Significance.

Ambry Genetics
Classification: Likely benign for Hereditary cancer-predisposing syndrome. Last evaluated: 2024-11-19. Review status: criteria provided, single submitter. Criteria: Ambry Variant Classification Scheme 2023. Collection method: clinical testing. Allele origin: germline.

University of Washington Department of Laboratory Medicine, University of Washington
Classification: Likely benign for Hereditary cancer-predisposing syndrome. Last evaluated: 2023-03-23. Review status: criteria provided, single submitter. Criteria: Dines et al. (Genet Med. 2020). Collection method: curation. Allele origin: germline.
Comment: Missense variant in a coldspot region where missense variants are very unlikely to be pathogenic (PMID:31911673).

BRCA2 exon 11 coldspot. Reclassification based on statistical prior probability.

Color Diagnostics, LLC DBA Color Health
Classification: Uncertain significance for Hereditary cancer-predisposing syndrome. Last evaluated: 2019-05-11. Review status: criteria provided, single submitter. Criteria: ACMG Guidelines, 2015. Collection method: clinical testing. Allele origin: germline.